The following is an entry in ClinVar:

ClinVar aggregate classification (germline): Conflicting classifications of pathogenicity. Review status: criteria provided, conflicting classifications (1 of 4 stars). 2 submissions from 2 submitters: Likely pathogenic (1); Uncertain significance (1). Last evaluated 2021-03-25.

Conditions:
COG4-congenital disorder of glycosylation. Also called: CONGENITAL DISORDER OF GLYCOSYLATION, TYPE IIj; CDG IIj; COG4-CDG. Identifiers: Orphanet 263501, MedGen C4303552, MONDO:0013281, OMIM 613489.

Allele frequency attached by ClinVar (database versions not stated): gnomAD 0.00001; TOPMed 0.00002; ESP Exome Variant Server 0.00008.

Submissions (2):

Labcorp Genetics (formerly Invitae), Labcorp
Classification: Uncertain significance for COG4-congenital disorder of glycosylation. Last evaluated: 2021-03-25. Review status: criteria provided, single submitter. Criteria: Invitae Variant Classification Sherloc (09022015). Collection method: clinical testing. Allele origin: germline.
Comment: This variant has not been reported in the literature in individuals with COG4-related conditions. ClinVar contains an entry for this variant (Variation ID: 430266). This variant is not present in population databases (ExAC no frequency). This sequence change replaces serine with asparagine at codon 472 of the COG4 protein (p.Ser472Asn). The serine residue is highly conserved and there is a small physicochemical difference between serine and asparagine. In summary, the available evidence is currently insufficient to determine the role of this variant in disease. Therefore, it has been classified as a Variant of Uncertain Significance. Algorithms developed to predict the effect of missense changes on protein structure and function are either unavailable or do not agree on the potential impact of this missense change (SIFT: "Deleterious"; PolyPhen-2: "Probably Damaging"; Align-GVGD: "Class C0").

GeneDx
Classification: Likely pathogenic. Last evaluated: 2015-11-16. Review status: criteria provided, single submitter. Criteria: GeneDx Variant Classification (06012015). Collection method: clinical testing. Allele origin: germline. Affected: yes.
Comment: The S472N variant in the COG4 gene has not been reported previously as a pathogenic variant, nor as a benign variant, to our knowledge. The S472N variant was not observed at any significant frequency in approximately 6500 individuals of European and African American ancestry by the NHLBI Exome Sequencing Project. The S472N variant is a conservative amino acid substitution, which occurs at a position that is conserved across species. In silico analysis predicts this variant is probably damaging to the protein structure/function. The S472N variant is a strong candidate for a pathogenic variant

NM_015386.3(COG4):c.1415G>A (p.Ser472Asn)

Gene: COG4 (component of oligomeric golgi complex 4; minus strand). Cytogenetic location: 16q22.1.
Variant type: single nucleotide variant.
Coding change: c.1415G>A on transcript NM_015386.3 (MANE Select); coding-DNA position 1415, G replaced by A.
Protein change: p.Ser472Asn; replaces serine 472 with asparagine.
Molecular consequence: missense variant. On other transcripts: non-coding transcript variant (1).
Genome position (GRCh38, 1-based): chr16:70,497,287, C>T on the plus strand (G>A on the coding strand, the complement: COG4 is on the minus strand). VCF-style: chr16-70497287-C-T. GRCh37 (hg19) VCF-style: chr16-70531190-C-T.
Other names: c.1403G>A, p.Ser468Asn (NM_001195139.2); c.989G>A, p.Ser330Asn (NM_001365426.1); short protein forms S472N, S468N, S330N.
Identifiers: ClinVar variation 430266 (VCV000430266.9), dbSNP rs372362031, ClinGen allele CA283441613.